The following is an entry in ClinVar:

ClinVar aggregate classification (germline): Likely benign (0 of 4 stars; one submission).

Conditions:
TRAPPC12-related disorder. Also called: TRAPPC12-related condition.

Submission:

PreventionGenetics, part of Exact Sciences
Classification: Likely benign for TRAPPC12-related condition. Last evaluated: 2022-03-04. Review status: no assertion criteria provided. Collection method: clinical testing. Allele origin: germline.
Comment: This variant is classified as likely benign based on ACMG/AMP sequence variant interpretation guidelines (Richards et al. 2015 PMID: 25741868, with internal and published modifications).

NM_016030.6(TRAPPC12):c.1197G>A (p.Leu399=)

Gene: TRAPPC12 (trafficking protein particle complex subunit 12; plus strand). Cytogenetic location: 2p25.3.
Variant type: single nucleotide variant.
Coding change: c.1197G>A on transcript NM_016030.6 (MANE Select); coding-DNA position 1197, G replaced by A.
Protein change: p.Leu399=; no amino-acid change (leucine 399 retained).
Molecular consequence: synonymous variant.
Genome position (GRCh38, 1-based): chr2:3,421,913, G>A. VCF-style: chr2-3421913-G-A. GRCh37 (hg19) VCF-style: chr2-3425684-G-A.
Other names: c.1197G>A, p.Leu399= (NM_001321102.2).
Identifiers: ClinVar variation 3051128 (VCV003051128.2), dbSNP rs2528476463, ClinGen allele CA424590420.
Genomic context (GRCh38, chr2:3,421,913, plus strand): 5'-TGGTCACATGTTCTGCCGTGTCTTGCAGAGCTGCAGAAACTGGAGGGCAGCAGTGGACCT[G>A]TGCGGACGTCTCCTCACAGCCCACGGCCAGGGCTACGGCAAGAGCGGGCTGCTCACCAGC-3'
Protein context (NP_057114.5, residues 389-409): SCRNWRAAVD[Leu399=]CGRLLTAHGQ